The following is an entry in ClinVar:

NM_007050.6(PTPRT):c.*1640G>A

Gene: PTPRT (protein tyrosine phosphatase receptor type T; minus strand). Cytogenetic location: 20q12.
Variant type: single nucleotide variant.
Coding change: c.*1640G>A on transcript NM_007050.6 (MANE Select); 1640 bases downstream of the stop codon, G replaced by A.
Molecular consequence: 3 prime UTR variant.
Genome position (GRCh38, 1-based): chr20:42,079,239, C>T on the plus strand (G>A on the coding strand, the complement: PTPRT is on the minus strand). VCF-style: chr20-42079239-C-T. GRCh37 (hg19) VCF-style: chr20-40707879-C-T.
Other names: c.*1640G>A (NM_001394024.1, NM_001394025.1, NM_133170.4).
Identifiers: ClinVar variation 1285993 (VCV001285993.2), dbSNP rs2866943, ClinGen allele CA15965537.

ClinVar aggregate classification (germline): Benign. Review status: criteria provided, multiple submitters, no conflicts (2 of 4 stars). 2 submissions from 2 submitters: Benign (2). Last evaluated 2020-02-18.

Allele frequency attached by ClinVar (database versions not stated): 1000 Genomes Project 30x 0.15334; TOPMed 0.19624; gnomAD 0.19985 and 0.20196; gnomAD exomes 0.20827; 1000 Genomes Project 0.14677.
gnomAD v4.1: 42,232 of 208,086 alleles (20%); highest among the groups gnomAD compares: Non-Finnish European, 25%; 4,718 homozygotes.

Submissions (2):

GeneDx
Classification: Benign. Last evaluated: 2020-02-18. Review status: criteria provided, single submitter. Criteria: GeneDx Variant Classification Process June 2021. Collection method: clinical testing. Allele origin: germline. Affected: yes.
Comment: This variant is associated with the following publications: (PMID: 25967969)

Breakthrough Genomics
Classification: Benign. Review status: criteria provided, single submitter. Criteria: ACMG Guidelines, 2015. Collection method: not provided. Allele origin: germline. Inheritance: Unknown mechanism. Affected: yes.